The following is an entry in ClinVar:

ClinVar aggregate classification (germline): Conflicting classifications of pathogenicity. Review status: criteria provided, conflicting classifications (1 of 4 stars). 8 submissions from 8 submitters: Uncertain significance (1); Benign (2); Likely benign (3). 2 of the submissions do not count toward it. Last evaluated 2026-03-01.

Conditions:
Early-infantile DEE. Also called: Early infantile epileptic encephalopathy; Ohtahara syndrome; Early infantile epileptic encephalopathy with suppression bursts. Identifiers: Orphanet 1934, MedGen C0393706, MONDO:0800491.
Inborn genetic diseases. Identifiers: MedGen C0950123, MeSH D030342.

Submissions (8):

CeGaT Center for Human Genetics Tuebingen
Classification: Likely benign. Last evaluated: 2026-03-01. Review status: criteria provided, single submitter. Criteria: CeGaT Center For Human Genetics Tuebingen Variant Classification Criteria Version 2. Collection method: clinical testing. Allele origin: germline. Affected: yes. Observed: 3 variant alleles.
Comment: SCN8A: PM4, BS1

Labcorp Genetics (formerly Invitae), Labcorp
Classification: Benign for Early-infantile DEE. Last evaluated: 2026-01-12. Review status: criteria provided, single submitter. Criteria: Invitae Variant Classification Sherloc (09022015). Collection method: clinical testing. Allele origin: germline.

Blueprint Genetics
Classification: Likely benign. Last evaluated: 2024-11-06. Review status: criteria provided, single submitter. Criteria: ACMG Guidelines, 2015. Collection method: clinical testing. Allele origin: germline.

GeneDx
Classification: Benign. Last evaluated: 2020-06-17. Review status: criteria provided, single submitter. Criteria: GeneDx Variant Classification Process June 2021. Collection method: clinical testing. Allele origin: germline. Affected: yes.

Ambry Genetics
Classification: Likely benign for Inborn genetic diseases. Last evaluated: 2018-06-13. Review status: criteria provided, single submitter. Criteria: Ambry Variant Classification Scheme 2023. Collection method: clinical testing. Allele origin: germline.

Eurofins Ntd Llc (ga)
Classification: Uncertain significance. Last evaluated: 2018-01-16. Review status: criteria provided, single submitter. Criteria: EGL Classification Definitions 2015. Collection method: clinical testing. Allele origin: germline. Observed: 1 variant allele, 1 heterozygote.

Clinical Genetics DNA and cytogenetics Diagnostics Lab, Erasmus MC, Erasmus Medical Center
Classification: Uncertain significance. Review status: no assertion criteria provided. Collection method: clinical testing. Allele origin: germline. Affected: yes. Study: VKGL Data-share Consensus. Not counted in ClinVar's aggregate classification.

Laboratory of Diagnostic Genome Analysis, Leiden University Medical Center (LUMC)
Classification: Uncertain significance. Review status: no assertion criteria provided. Collection method: clinical testing. Allele origin: germline. Affected: yes. Study: VKGL Data-share Consensus. Not counted in ClinVar's aggregate classification.

NM_001330260.2(SCN8A):c.1846GGCTACAGC[1] (p.616GYS[1])

Gene: SCN8A (sodium voltage-gated channel alpha subunit 8; plus strand). Cytogenetic location: 12q13.13.
Variant type: Microsatellite.
Coding change: c.1846GGCTACAGC[1] on transcript NM_001330260.2 (MANE Select); one copy of the 9-base unit GGCTACAGC starting at c.1846; the reference has two copies in a row; one copy, 9 bases deleted.
Protein change: p.616GYS[1].
Molecular consequence: inframe deletion.
Genome position (GRCh38, 1-based): chr12:51,721,765-51,721,773, GGCTACAGC deleted; deleting any 9 consecutive bases within chr12:51,721,748-51,721,773 gives the same sequence; the position shown is the placement nearest the transcript's 3' end. VCF-style (leftmost placement, unchanged base first): chr12-51721747-AGCTACAGCG-A. GRCh37 (hg19) VCF-style: chr12-52115531-AGCTACAGCG-A.
Other names: c.1846GGCTACAGC[1], p.616GYS[1] (NM_001177984.3, NM_001369788.1, NM_014191.4); c.1855_1863del (NM_014191.3).
Identifiers: ClinVar variation 406253 (VCV000406253.64), dbSNP rs758276968, ClinGen allele CA6571341.
Genomic context (GRCh38, chr12:51,721,747, plus strand): 5'-GAGAGCGAGGGCCGCCGGGACTCCCTCTTCATCCCCATCCGGGCCCGCGAGCGCCGGAGC[AGCTACAGCG>A]GCTACAGCGGCTACAGCCAGGGCAGCCGCTCCTCGCGCATCTTCCCCAGCCTGCGGCGCA-3'